The following is an entry in ClinVar:

ClinVar aggregate classification (germline): Uncertain significance (1 of 4 stars; one submission).

Conditions:
Inborn genetic diseases. Identifiers: MedGen C0950123, MeSH D030342.

gnomAD v4.1: 2 of 1,614,242 alleles (0.00012%); highest among the groups gnomAD compares: South Asian, 0.0011%; no homozygotes.

Submission:

Ambry Genetics
Classification: Uncertain significance for Inborn genetic diseases. Last evaluated: 2025-01-06. Review status: criteria provided, single submitter. Criteria: Ambry Variant Classification Scheme 2023. Collection method: clinical testing. Allele origin: germline.
Comment: The p.H254R variant (also known as c.761A>G), located in coding exon 6 of the BMPR2 gene, results from an A to G substitution at nucleotide position 761. The histidine at codon 254 is replaced by arginine, an amino acid with highly similar properties. This amino acid position is conserved. In addition, this alteration is predicted to be deleterious by in silico analysis. Based on the available evidence, the clinical significance of this variant remains unclear.

NM_001204.7(BMPR2):c.761A>G (p.His254Arg)

Gene: BMPR2 (bone morphogenetic protein receptor type 2; plus strand). Cytogenetic location: 2q33.2.
Variant type: single nucleotide variant.
Coding change: c.761A>G on transcript NM_001204.7 (MANE Select); coding-DNA position 761, A replaced by G.
Protein change: p.His254Arg; replaces histidine 254 with arginine.
Molecular consequence: missense variant.
Genome position (GRCh38, 1-based): chr2:202,518,961, A>G. VCF-style: chr2-202518961-A-G. GRCh37 (hg19) VCF-style: chr2-203383684-A-G.
Other names: short protein forms H254R.
Identifiers: ClinVar variation 3824817 (VCV003824817.1).